The following is an entry in ClinVar:

ClinVar aggregate classification (germline): Uncertain significance (1 of 4 stars; one submission).

Conditions:
Gnathodiaphyseal dysplasia (GDD). Also called: GNATHODIAPHYSEAL SCLEROSIS; OSTEOGENESIS IMPERFECTA WITH UNUSUAL SKELETAL LESIONS. Identifiers: Orphanet 53697, MedGen C1833736, MONDO:0008151, OMIM 166260.
Autosomal recessive limb-girdle muscular dystrophy type 2L (LGMDR12). Also called: Limb-girdle muscular dystrophy, type 2L; MUSCULAR DYSTROPHY, LIMB-GIRDLE, AUTOSOMAL RECESSIVE 12; Limb-Girdle Muscular Dystrophy R12 Anoctamin-5-Related (LGMD-R12). Identifiers: Orphanet 206549, MedGen C1969785, MONDO:0012652, OMIM 611307.

gnomAD v4.1: 2 of 1,611,186 alleles (0.00012%); highest among the groups gnomAD compares: Admixed American, 0.0017%; no homozygotes.

Submission:

Labcorp Genetics (formerly Invitae), Labcorp
Classification: Uncertain significance for Autosomal recessive limb-girdle muscular dystrophy type 2L; Gnathodiaphyseal dysplasia. Last evaluated: 2025-12-03. Review status: criteria provided, single submitter. Criteria: Invitae Variant Classification Sherloc (09022015). Collection method: clinical testing. Allele origin: germline.
Comment: This sequence change replaces methionine, which is neutral and non-polar, with isoleucine, which is neutral and non-polar, at codon 313 of the ANO5 protein (p.Met313Ile). This variant is not present in population databases (gnomAD no frequency). This variant has not been reported in the literature in individuals affected with ANO5-related conditions. Invitae Evidence Modeling of protein sequence and biophysical properties (such as structural, functional, and spatial information, amino acid conservation, physicochemical variation, residue mobility, and thermodynamic stability) indicates that this missense variant is expected to disrupt ANO5 protein function with a positive predictive value of 95%. In summary, the available evidence is currently insufficient to determine the role of this variant in disease. Therefore, it has been classified as a Variant of Uncertain Significance.

NM_213599.3(ANO5):c.939G>A (p.Met313Ile)

Gene: ANO5 (anoctamin 5; plus strand). Cytogenetic location: 11p14.3.
Variant type: single nucleotide variant.
Coding change: c.939G>A on transcript NM_213599.3 (MANE Select); coding-DNA position 939, G replaced by A.
Protein change: p.Met313Ile; replaces methionine 313 with isoleucine.
Molecular consequence: missense variant.
Genome position (GRCh38, 1-based): chr11:22,250,297, G>A. VCF-style: chr11-22250297-G-A. GRCh37 (hg19) VCF-style: chr11-22271843-G-A.
Other names: c.936G>A, p.Met312Ile (NM_001142649.2); c.897G>A, p.Met299Ile (NM_001410963.1, NM_001441300.1); c.894G>A, p.Met298Ile (NM_001410964.1, NM_001441301.1); c.861G>A, p.Met287Ile (NM_001441294.1); c.858G>A, p.Met286Ile (NM_001441295.1); c.846G>A, p.Met282Ile (NM_001441296.1, NM_001441302.1); c.819G>A, p.Met273Ile (NM_001441297.1); c.783G>A, p.Met261Ile (NM_001441298.1); and 1 more; short protein forms M273I, M299I, M261I, M287I, M286I, M298I, M313I, M260I.
Identifiers: ClinVar variation 4791489 (VCV004791489.1).